The following is an entry in ClinVar:

NM_001034853.2(RPGR):c.894_895del (p.Ser298fs)

Gene: RPGR (retinitis pigmentosa GTPase regulator; minus strand). Cytogenetic location: Xp11.4.
Variant type: Deletion.
Coding change: c.894_895del on transcript NM_001034853.2 (MANE Select); coding-DNA positions 894 to 895, 2 bases deleted (TT; older notation c.894_895delTT).
Protein change: p.Ser298fs; shifts the reading frame from serine 298.
Molecular consequence: frameshift variant. On other transcripts: non-coding transcript variant (5).
Genome position (GRCh38, 1-based): chrX:38,304,674-38,304,675, AA deleted on the plus strand (TT on the coding strand, the reverse complement: RPGR is on the minus strand). VCF-style (leftmost placement, unchanged base first): chrX-38304673-TAA-T. GRCh37 (hg19) VCF-style: chrX-38163926-TAA-T.
Other names: c.894_895del, p.Ser298fs (NM_000328.3, NM_001367246.1, NM_001367247.1 and 1 more transcripts); c.891_892del, p.Ser297fs (NM_001367245.1, NM_001367249.1, NM_001367250.1); c.924_925del, p.Ser308fs (NM_001367248.1); short protein forms S297fs, S298fs, S308fs.
Identifiers: ClinVar variation 143093 (VCV000143093.2), dbSNP rs527236111, ClinGen allele CA270036.

ClinVar aggregate classification (germline): Likely pathogenic (0 of 4 stars; one submission).

Conditions:
Retinitis pigmentosa (RP). Identifiers: Orphanet 791, MedGen C0035334, MeSH D012174, MONDO:0019200, OMIM 268000. Inheritance: Autosomal dominant, autosomal recessive and X linked inheritance.

Submission:

Department of Ophthalmology and Visual Sciences Kyoto University
Classification: Likely pathogenic for Retinitis pigmentosa. Review status: no assertion criteria provided. Collection method: not provided. Allele origin: unknown.
ClinVar note: Converted during submission from probable-pathogenic to Likely pathogenic.